The following is an entry in ClinVar:

ClinVar aggregate classification (germline): Uncertain significance (1 of 4 stars; one submission).

Submission:

Labcorp Genetics (formerly Invitae), Labcorp
Classification: Uncertain significance. Last evaluated: 2022-05-10. Review status: criteria provided, single submitter. Criteria: Invitae Variant Classification Sherloc (09022015). Collection method: clinical testing. Allele origin: germline.
Comment: In summary, the available evidence is currently insufficient to determine the role of this variant in disease. Therefore, it has been classified as a Variant of Uncertain Significance. Algorithms developed to predict the effect of sequence changes on RNA splicing suggest that this variant may disrupt the consensus splice site. Algorithms developed to predict the effect of missense changes on protein structure and function (SIFT, PolyPhen-2, Align-GVGD) all suggest that this variant is likely to be tolerated. This variant has not been reported in the literature in individuals affected with CXCR2-related conditions. This variant is not present in population databases (gnomAD no frequency). This sequence change replaces phenylalanine, which is neutral and non-polar, with valine, which is neutral and non-polar, at codon 32 of the CXCR2 protein (p.Phe32Val).

NM_001557.4(CXCR2):c.94T>G (p.Phe32Val)

Gene: CXCR2 (C-X-C motif chemokine receptor 2; plus strand). Cytogenetic location: 2q35.
Variant type: single nucleotide variant.
Coding change: c.94T>G on transcript NM_001557.4 (MANE Select); coding-DNA position 94, T replaced by G.
Protein change: p.Phe32Val; replaces phenylalanine 32 with valine.
Molecular consequence: missense variant.
Genome position (GRCh38, 1-based): chr2:218,134,895, T>G. VCF-style: chr2-218134895-T-G. GRCh37 (hg19) VCF-style: chr2-218999618-T-G.
Other names: c.94T>G, p.Phe32Val (NM_001168298.2); short protein forms F32V.
Identifiers: ClinVar variation 1992670 (VCV001992670.4), dbSNP rs532069369, ClinGen allele CA350528414.